The following is an entry in ClinVar:

ClinVar aggregate classification (germline): Uncertain significance. Review status: criteria provided, multiple submitters, no conflicts (2 of 4 stars). 2 submissions from 2 submitters: Uncertain significance (2). Last evaluated 2024-06-03.

Conditions:
Inborn genetic diseases. Identifiers: MedGen C0950123, MeSH D030342.
Joubert syndrome 21 (JBTS21). Identifiers: MedGen C3810212, MONDO:0014288, OMIM 615636.

Allele frequency attached by ClinVar (database versions not stated): gnomAD exomes below 0.00001; TOPMed below 0.00001; gnomAD 0.00001.
gnomAD v4.1: 3 of 1,532,478 alleles (0.0002%); highest among the groups gnomAD compares: East Asian, 0.0068%; no homozygotes.

Submissions (2):

Labcorp Genetics (formerly Invitae), Labcorp
Classification: Uncertain significance for Joubert syndrome 21. Last evaluated: 2024-06-03. Review status: criteria provided, single submitter. Criteria: Invitae Variant Classification Sherloc (09022015). Collection method: clinical testing. Allele origin: germline.
Comment: This sequence change replaces lysine, which is basic and polar, with threonine, which is neutral and polar, at codon 120 of the CSPP1 protein (p.Lys120Thr). This variant is present in population databases (no rsID available, gnomAD 0.01%). This variant has not been reported in the literature in individuals affected with CSPP1-related conditions. ClinVar contains an entry for this variant (Variation ID: 1718919). An algorithm developed to predict the effect of missense changes on protein structure and function (PolyPhen-2) suggests that this variant is likely to be tolerated. In summary, the available evidence is currently insufficient to determine the role of this variant in disease. Therefore, it has been classified as a Variant of Uncertain Significance.

Ambry Genetics
Classification: Uncertain significance for Inborn genetic diseases. Last evaluated: 2023-05-03. Review status: criteria provided, single submitter. Criteria: Ambry Variant Classification Scheme 2023. Collection method: clinical testing. Allele origin: germline.

NM_001382391.1(CSPP1):c.251A>C (p.Lys84Thr)

Gene: CSPP1 (centrosome and spindle pole associated protein 1; plus strand). Cytogenetic location: 8q13.1.
Variant type: single nucleotide variant.
Coding change: c.251A>C on transcript NM_001382391.1 (MANE Select); coding-DNA position 251, A replaced by C.
Protein change: p.Lys84Thr; replaces lysine 84 with threonine.
Molecular consequence: missense variant. On other transcripts: 5 prime UTR variant (1).
Genome position (GRCh38, 1-based): chr8:67,086,058, A>C. VCF-style: chr8-67086058-A-C. GRCh37 (hg19) VCF-style: chr8-67998293-A-C.
Other names: c.-524A>C (NM_001291339.2); c.251A>C, p.Lys84Thr (NM_001363131.2, NM_001363132.2, NM_001363133.2); c.359A>C, p.Lys120Thr (NM_001364869.1, NM_001364870.1, NM_024790.7); short protein forms K120T, K84T.
Identifiers: ClinVar variation 1718919 (VCV001718919.7), dbSNP rs1323272579, ClinGen allele CA371186733.